The following is an entry in ClinVar:

ClinVar aggregate classification (germline): Uncertain significance (1 of 4 stars; one submission).

Conditions:
Progressive familial heart block type IB (PFHB1B). Identifiers: Orphanet 871, MedGen C1970298, MONDO:0011474, OMIM 604559.

gnomAD v4.1: 4 of 1,554,344 alleles (0.00026%); highest among the groups gnomAD compares: Non-Finnish European, 0.00035%; no homozygotes.

Submission:

Labcorp Genetics (formerly Invitae), Labcorp
Classification: Uncertain significance for Progressive familial heart block type IB. Last evaluated: 2024-03-27. Review status: criteria provided, single submitter. Criteria: Invitae Variant Classification Sherloc (09022015). Collection method: clinical testing. Allele origin: germline.
Comment: This sequence change replaces arginine, which is basic and polar, with cysteine, which is neutral and slightly polar, at codon 770 of the TRPM4 protein (p.Arg770Cys). The frequency data for this variant in the population databases is considered unreliable, as metrics indicate poor data quality at this position in the gnomAD database. This variant has not been reported in the literature in individuals affected with TRPM4-related conditions. An algorithm developed to predict the effect of missense changes on protein structure and function (PolyPhen-2) suggests that this variant is likely to be disruptive. In summary, the available evidence is currently insufficient to determine the role of this variant in disease. Therefore, it has been classified as a Variant of Uncertain Significance.

NM_017636.4(TRPM4):c.2308C>T (p.Arg770Cys)

Gene: TRPM4 (transient receptor potential cation channel subfamily M member 4; plus strand). Cytogenetic location: 19q13.33.
Variant type: single nucleotide variant.
Coding change: c.2308C>T on transcript NM_017636.4 (MANE Select); coding-DNA position 2308, C replaced by T.
Protein change: p.Arg770Cys; replaces arginine 770 with cysteine.
Molecular consequence: missense variant. On other transcripts: intron variant (1).
Genome position (GRCh38, 1-based): chr19:49,196,537, C>T. VCF-style: chr19-49196537-C-T. GRCh37 (hg19) VCF-style: chr19-49699794-C-T.
Other names: c.1246C>T, p.Arg416Cys (NM_001321285.2); c.2211-3763C>T (NM_001195227.2); c.1963C>T, p.Arg655Cys (NM_001321281.2); c.700C>T, p.Arg234Cys (NM_001321282.2); c.1786C>T, p.Arg596Cys (NM_001321283.2); short protein forms R234C, R416C, R596C, R655C, R770C.
Identifiers: ClinVar variation 3684884 (VCV003684884.2).
Genomic context (GRCh38, chr19:49,196,537, plus strand): 5'-CCGCGCCAGTCGGGCCGTCCGGGTTGCTGCGGGGGCCGCTGCGGGGGGCGCCGGTGCCTA[C>T]GCCGCTGGTTCCACTTCTGGGGCGCGCCGGTGACCATCTTCATGGGCAACGTGGTCAGCT-3'
Protein context (NP_060106.2, residues 760-780): GGRCGGRRCL[Arg770Cys]RWFHFWGAPV